The following is an entry in ClinVar:

ClinVar aggregate classification (germline): Benign/Likely benign. Review status: criteria provided, multiple submitters, no conflicts (2 of 4 stars). 2 submissions from 2 submitters: Benign (1); Likely benign (1). Last evaluated 2018-10-16.

Allele frequency attached by ClinVar (database versions not stated): 1000 Genomes Project 0.01478; 1000 Genomes Project 30x 0.01483; TOPMed 0.02310; gnomAD 0.02346 and 0.02353; gnomAD exomes 0.02904.
gnomAD v4.1: 27,856 of 989,004 alleles (2.8%); highest among the groups gnomAD compares: Non-Finnish European, 3.4%; 523 homozygotes.

Submissions (2):

GeneDx
Classification: Likely benign. Last evaluated: 2018-10-16. Review status: criteria provided, single submitter. Criteria: GeneDx Variant Classification Process June 2021. Collection method: clinical testing. Allele origin: germline. Affected: yes.

Women's Health and Genetics/Laboratory Corporation of America, LabCorp
Classification: Benign. Last evaluated: 2016-06-14. Review status: criteria provided, single submitter. Criteria: LabCorp Variant Classification Summary - May 2015. Collection method: clinical testing. Allele origin: germline.
Comment: Variant summary: The SLC34A3 c.175+123C>T variant involves the alteration of a non-conserved intronic nucleotide with 5/5 splice prediction tools predicting no significant impact on splicing, although these predictions have yet to be functionally assessed. The variant of interest was observed in controls (from 1000 Gs) with an allele frequency of 74/5008 (1/68), which significantly exceeds the estimated maximal expected allele frequency for a pathogenic SLC34A3 variant of 1/894 (0.001118), suggesting this variant is likely a benign polymorphism. The variant of interest was reported in one HHRH patient, but the authors considered the variant of interest a polymorphism. c.175+123C>T has not been reported in affected individuals or classified by other clinical labs. Therefore, taking all available lines of evidence into consideration and the high allele frequency in the general population, the variant of interest has been classified as Benign.

Literature cited by the submitters: PubMed 20074341 (cited by Women's Health and Genetics/Laboratory Corporation of America, LabCorp).

NM_001177316.2(SLC34A3):c.175+123C>T

Gene: SLC34A3 (solute carrier family 34 member 3; plus strand). Cytogenetic location: 9q34.3.
Variant type: single nucleotide variant.
Coding change: c.175+123C>T on transcript NM_001177316.2 (MANE Select); 123 bases into the intron after coding-DNA position 175, C replaced by T.
Molecular consequence: intron variant.
Genome position (GRCh38, 1-based): chr9:137,232,284, C>T. VCF-style: chr9-137232284-C-T. GRCh37 (hg19) VCF-style: chr9-140126736-C-T.
Other names: c.175+123C>T (NM_001177317.2, NM_080877.3).
Identifiers: ClinVar variation 496510 (VCV000496510.4), dbSNP rs111532084, ClinGen allele CA13118382.
Genomic context (GRCh38, chr9:137,232,284, plus strand): 5'-GACAGAGCAGGGTGGGGCCTGCCCAAACAGGCTGTGTGTGGGGAACTCCGCCATGCAGGC[C>T]CCCTCTGGGGAGACACGTGTCCCTCAACCGGGTGTCTGTGCTGTCCTGGGGCAGACCGGC-3'